The following is an entry in ClinVar:

NM_006494.4(ERF):c.121G>T (p.Glu41Ter)

Gene: ERF (ETS2 repressor factor; minus strand). Cytogenetic location: 19q13.2.
Variant type: single nucleotide variant.
Coding change: c.121G>T on transcript NM_006494.4 (MANE Select); coding-DNA position 121, G replaced by T.
Protein change: p.Glu41Ter; replaces glutamic acid 41 with a stop codon.
Molecular consequence: nonsense. On other transcripts: 5 prime UTR variant (4), intron variant (1).
Genome position (GRCh38, 1-based): chr19:42,250,467, C>A on the plus strand (G>T on the coding strand, the complement: ERF is on the minus strand). VCF-style: chr19-42250467-C-A. GRCh37 (hg19) VCF-style: chr19-42754619-C-A.
Other names: c.-105G>T (NM_001301035.2, NM_001308402.2, NM_001312656.2 and 1 more transcripts); c.-550-525G>T (NM_001440421.1); short protein forms E41*.
Identifiers: ClinVar variation 4715860 (VCV004715860.1).

ClinVar aggregate classification (germline): Pathogenic (1 of 4 stars; one submission).

Conditions:
TWIST1-related craniosynostosis (CRS1). Also called: CRANIOSYNOSTOSIS 1. Identifiers: Orphanet 63440, MedGen C4551902, MONDO:0007399, OMIM 123100. Inheritance: Heterogenous inheritance pattern.

Submission:

Labcorp Genetics (formerly Invitae), Labcorp
Classification: Pathogenic for TWIST1-related craniosynostosis. Last evaluated: 2025-05-31. Review status: criteria provided, single submitter. Criteria: Invitae Variant Classification Sherloc (09022015). Collection method: clinical testing. Allele origin: germline.
Comment: This sequence change creates a premature translational stop signal (p.Glu41*) in the ERF gene. It is expected to result in an absent or disrupted protein product. Loss-of-function variants in ERF are known to be pathogenic (PMID: 23354439, 26097063, 28808027). This variant is not present in population databases (gnomAD no frequency). This variant has not been reported in the literature in individuals affected with ERF-related conditions. For these reasons, this variant has been classified as Pathogenic.

Literature cited by the submitters: PubMed 23354439; PubMed 26097063; PubMed 28808027.